The following is an entry in ClinVar:

ClinVar aggregate classification (germline): Uncertain significance (1 of 4 stars; one submission).

Conditions:
Short-rib thoracic dysplasia 11 with or without polydactyly (SRTD11). Also called: SHORT-RIB THORACIC DYSPLASIA 11 WITHOUT POLYDACTYLY. Identifiers: Orphanet 474, Orphanet 93271, MedGen C3810200, MONDO:0014287, OMIM 615633.

Allele frequency attached by ClinVar (database versions not stated): gnomAD exomes 0.00002 and 0.00006; gnomAD 0.00003; ExAC 0.00006; TOPMed 0.00006.
gnomAD v4.1: 38 of 1,613,464 alleles (0.0024%); highest among the groups gnomAD compares: Admixed American, 0.012%; no homozygotes.

Submission:

Labcorp Genetics (formerly Invitae), Labcorp
Classification: Uncertain significance for Short-rib thoracic dysplasia 11 with or without polydactyly. Last evaluated: 2022-10-31. Review status: criteria provided, single submitter. Criteria: Invitae Variant Classification Sherloc (09022015). Collection method: clinical testing. Allele origin: germline.
Comment: This sequence change replaces aspartic acid, which is acidic and polar, with asparagine, which is neutral and polar, at codon 502 of the WDR34 protein (p.Asp502Asn). This variant is present in population databases (rs776327242, gnomAD 0.01%). This variant has not been reported in the literature in individuals affected with WDR34-related conditions. ClinVar contains an entry for this variant (Variation ID: 1681168). Algorithms developed to predict the effect of missense changes on protein structure and function are either unavailable or do not agree on the potential impact of this missense change (SIFT: "Tolerated"; PolyPhen-2: "Possibly Damaging"; Align-GVGD: "Class C0"). In summary, the available evidence is currently insufficient to determine the role of this variant in disease. Therefore, it has been classified as a Variant of Uncertain Significance.

NM_052844.4(DYNC2I2):c.1504G>A (p.Asp502Asn)

Gene: DYNC2I2 (dynein 2 intermediate chain 2; minus strand). Cytogenetic location: 9q34.11.
Variant type: single nucleotide variant.
Coding change: c.1504G>A on transcript NM_052844.4 (MANE Select); coding-DNA position 1504, G replaced by A.
Protein change: p.Asp502Asn; replaces aspartic acid 502 with asparagine.
Molecular consequence: missense variant.
Genome position (GRCh38, 1-based): chr9:128,633,851, C>T on the plus strand (G>A on the coding strand, the complement: DYNC2I2 is on the minus strand). VCF-style: chr9-128633851-C-T. GRCh37 (hg19) VCF-style: chr9-131396130-C-T.
Other names: short protein forms D502N.
Identifiers: ClinVar variation 1681168 (VCV001681168.5), dbSNP rs776327242, ClinGen allele CA5266167.